The following is an entry in ClinVar:

NM_000016.6(ACADM):c.202G>A (p.Asp68Asn)

Gene: ACADM (acyl-CoA dehydrogenase medium chain; plus strand). Cytogenetic location: 1p31.1.
Variant type: single nucleotide variant.
Coding change: c.202G>A on transcript NM_000016.6 (MANE Select); coding-DNA position 202, G replaced by A.
Protein change: p.Asp68Asn; replaces aspartic acid 68 with asparagine.
Molecular consequence: missense variant. On other transcripts: 5 prime UTR variant (1).
Genome position (GRCh38, 1-based): chr1:75,732,727, G>A. VCF-style: chr1-75732727-G-A. GRCh37 (hg19) VCF-style: chr1-76198412-G-A.
Other names: c.214G>A, p.Asp72Asn (NM_001127328.3); c.94G>A, p.Asp32Asn (NM_001286042.2); c.202G>A, p.Asp68Asn (NM_001286043.2); c.-184G>A (NM_001286044.2); short protein forms D32N, D68N, D72N.
Identifiers: ClinVar variation 1411685 (VCV001411685.8), dbSNP rs2100362891, ClinGen allele CA340809578.

ClinVar aggregate classification (germline): Uncertain significance (1 of 4 stars; one submission).

Conditions:
Medium-chain acyl-coenzyme A dehydrogenase deficiency (ACADMD). Also called: ACADM DEFICIENCY; MCADH DEFICIENCY; Medium chain acyl-CoA dehydrogenase deficiency; MCAD Deficiency; MCADD; CARNITINE DEFICIENCY SECONDARY TO MEDIUM-CHAIN ACYL-CoA DEHYDROGENASE DEFICIENCY. Identifiers: Orphanet 42, MedGen C0220710, MONDO:0008721, OMIM 201450.

Submission:

Labcorp Genetics (formerly Invitae), Labcorp
Classification: Uncertain significance for Medium-chain acyl-coenzyme A dehydrogenase deficiency. Last evaluated: 2022-03-23. Review status: criteria provided, single submitter. Criteria: Invitae Variant Classification Sherloc (09022015). Collection method: clinical testing. Allele origin: germline.
Comment: This sequence change replaces aspartic acid, which is acidic and polar, with asparagine, which is neutral and polar, at codon 68 of the ACADM protein (p.Asp68Asn). In summary, the available evidence is currently insufficient to determine the role of this variant in disease. Therefore, it has been classified as a Variant of Uncertain Significance. Advanced modeling of protein sequence and biophysical properties (such as structural, functional, and spatial information, amino acid conservation, physicochemical variation, residue mobility, and thermodynamic stability) performed at Invitae indicates that this missense variant is expected to disrupt ACADM protein function. This variant has not been reported in the literature in individuals affected with ACADM-related conditions. This variant is not present in population databases (gnomAD no frequency).